The following is an entry in ClinVar:

NM_001082486.2(ACD):c.1180G>A (p.Gly394Arg)

Gene: ACD (ACD shelterin complex subunit and telomerase recruitment factor; minus strand). Cytogenetic location: 16q22.1.
Variant type: single nucleotide variant.
Coding change: c.1180G>A on transcript NM_001082486.2 (MANE Select); coding-DNA position 1180, G replaced by A.
Protein change: p.Gly394Arg; replaces glycine 394 with arginine.
Molecular consequence: missense variant.
Genome position (GRCh38, 1-based): chr16:67,658,012, C>T on the plus strand (G>A on the coding strand, the complement: ACD is on the minus strand). VCF-style: chr16-67658012-C-T. GRCh37 (hg19) VCF-style: chr16-67691915-C-T.
Other names: c.1093G>A, p.Gly365Arg (NM_001410884.1); c.1171G>A, p.Gly391Arg (NM_022914.3); short protein forms G394R, G365R, G391R.
Identifiers: ClinVar variation 3480046 (VCV003480046.1).

ClinVar aggregate classification (germline): Uncertain significance (1 of 4 stars; one submission).

Conditions:
Inborn genetic diseases. Identifiers: MedGen C0950123, MeSH D030342.

gnomAD v4.1: 2 of 1,552,184 alleles (0.00013%); highest among the groups gnomAD compares: Non-Finnish European, 0.00017%; no homozygotes.

Submission:

Ambry Genetics
Classification: Uncertain significance for Inborn genetic diseases. Last evaluated: 2024-07-09. Review status: criteria provided, single submitter. Criteria: Ambry Variant Classification Scheme 2023. Collection method: clinical testing. Allele origin: germline.
Comment: The p.G480R variant (also known as c.1438G>A), located in coding exon 10 of the ACD gene, results from a G to A substitution at nucleotide position 1438. The glycine at codon 480 is replaced by arginine, an amino acid with dissimilar properties. This amino acid position is conserved. In addition, this alteration is predicted to be tolerated by in silico analysis. Based on the available evidence, the clinical significance of this variant remains unclear.